The following is an entry in ClinVar:

NM_001079802.2(FKTN):c.867_870del (p.Lys290fs)

Gene: FKTN (fukutin; plus strand). Cytogenetic location: 9q31.2.
Variant type: Deletion.
Coding change: c.867_870del on transcript NM_001079802.2 (MANE Select); coding-DNA positions 867 to 870, 4 bases deleted (CAAA; older notation c.867_870delCAAA).
Protein change: p.Lys290fs; shifts the reading frame from lysine 290.
Molecular consequence: frameshift variant. On other transcripts: non-coding transcript variant (1).
Genome position (GRCh38, 1-based): chr9:105,615,364-105,615,367, CAAA deleted; deleting any 4 consecutive bases within chr9:105,615,361-105,615,367 gives the same sequence; the c. name uses the placement nearest the transcript's 3' end. VCF-style (leftmost placement, unchanged base first): chr9-105615360-TAAAC-T. GRCh37 (hg19) VCF-style: chr9-108377641-TAAAC-T.
Other names: c.867_870del, p.Lys290fs (NM_001198963.2, NM_001351496.2, NM_001351498.2 and 1 more transcripts); c.798_801del, p.Lys267fs (NM_001351497.2); c.471_474del, p.Lys158fs (NM_001351499.2, NM_001351500.2, NM_001351501.2 and 1 more transcripts); short protein forms K158fs, K267fs, K290fs.
Identifiers: ClinVar variation 2583140 (VCV002583140.1), dbSNP rs2539657876, ClinGen allele CA2582342013.

ClinVar aggregate classification (germline): Likely pathogenic (1 of 4 stars; one submission).

Submission:

Human Genetics Bochum, Ruhr University Bochum
Classification: Likely pathogenic. Last evaluated: 2023-04-18. Review status: criteria provided, single submitter. Criteria: ACMG Guidelines, 2015. Collection method: clinical testing. Allele origin: germline. Affected: yes.
Comment: ACMG criteria used to clasify this variant: PVS1, PM2_SUP, PM3